The following is an entry in ClinVar:

ClinVar aggregate classification (germline): Uncertain significance (1 of 4 stars; one submission).

Submission:

GeneDx
Classification: Uncertain significance. Last evaluated: 2023-12-08. Review status: criteria provided, single submitter. Criteria: GeneDx Variant Classification Process June 2021. Collection method: clinical testing. Allele origin: germline. Affected: yes.
Comment: Frameshift variant predicted to result in protein truncation in a gene for which loss of function is a known mechanism of disease; Not observed at significant frequency in large population cohorts (gnomAD); Has not been previously published as pathogenic or benign to our knowledge

NM_000264.5(PTCH1):c.3989dup (p.His1330fs)

Gene: PTCH1 (patched 1; minus strand). Cytogenetic location: 9q22.32.
Variant type: Duplication.
Coding change: c.3989dup on transcript NM_000264.5 (MANE Select); coding-DNA position 3989, one base duplicated (A; older notation c.3989dupA).
Protein change: p.His1330fs; shifts the reading frame from histidine 1330.
Molecular consequence: frameshift variant. On other transcripts: non-coding transcript variant (1).
Genome position (GRCh38, 1-based): chr9:95,447,267, T duplicated on the plus strand (A on the coding strand, the reverse complement: PTCH1 is on the minus strand). VCF-style (leftmost placement, unchanged base first): chr9-95447266-A-AT. GRCh37 (hg19) VCF-style: chr9-98209548-A-AT.
Other names: c.3791dup, p.His1264fs (NM_001083602.3); c.3986dup, p.His1329fs (NM_001083603.3); c.3536dup, p.His1179fs (NM_001083604.3, NM_001083605.3, NM_001083606.3 and 1 more transcripts); c.3833dup, p.His1278fs (NM_001354918.2); short protein forms H1179fs, H1264fs, H1278fs, H1329fs, H1330fs.
Identifiers: ClinVar variation 3365259 (VCV003365259.1).